The following is an entry in ClinVar:

NM_001242896.3(DEPDC5):c.2516-3T>G

Gene: DEPDC5 (DEP domain containing 5, GATOR1 subcomplex subunit; plus strand). Cytogenetic location: 22q12.3.
Variant type: single nucleotide variant.
Coding change: c.2516-3T>G on transcript NM_001242896.3 (MANE Select); 3 bases into the intron before coding-DNA position 2516, T replaced by G.
Molecular consequence: intron variant.
Genome position (GRCh38, 1-based): chr22:31,843,092, T>G. VCF-style: chr22-31843092-T-G. GRCh37 (hg19) VCF-style: chr22-32239078-T-G.
Other names: c.2516-3T>G (NM_001364318.2, NM_001363852.2, NM_001364320.2); c.2489-3T>G (NM_001136029.4, NM_014662.6, NM_001369903.1); c.2282-3T>G (NM_001363854.2, NM_001242897.2, NM_001364319.2); c.2432-3T>G (NM_001369902.1, NM_001369901.1).
Identifiers: ClinVar variation 4855669 (VCV004855669.1).

ClinVar aggregate classification (germline): Uncertain significance (1 of 4 stars; one submission).

Conditions:
Epilepsy, familial focal, with variable foci 1 (FFEVF1). Also called: DEPDC5-Related Epilepsy. Identifiers: MedGen C4551983, MONDO:0024556, OMIM 604364.

Submission:

3billion
Classification: Uncertain significance for Epilepsy, familial focal, with variable foci 1. Last evaluated: 2025-09-29. Review status: criteria provided, single submitter. Criteria: ACMG Guidelines, 2015. Collection method: clinical testing. Allele origin: germline. Affected: yes.
Comment: The variant is not observed in the gnomAD v4.1.0 dataset. Predicted Consequence/Location: Intron variant In silico tools predict the variant to alter splicing and produce an abnormal transcript [SpliceAI: 0.94 (>=0.2, moderate evidence for spliceogenicity)]. Therefore, this variant is classified as VUS according to the recommendation of ACMG/AMP guideline.